The following is an entry in ClinVar:

NM_005502.4(ABCA1):c.5131G>A (p.Val1711Ile)

Gene: ABCA1 (ATP binding cassette subfamily A member 1; minus strand). Cytogenetic location: 9q31.1.
Variant type: single nucleotide variant.
Coding change: c.5131G>A on transcript NM_005502.4 (MANE Select); coding-DNA position 5131, G replaced by A.
Protein change: p.Val1711Ile; replaces valine 1711 with isoleucine.
Molecular consequence: missense variant.
Genome position (GRCh38, 1-based): chr9:104,796,415, C>T on the plus strand (G>A on the coding strand, the complement: ABCA1 is on the minus strand). VCF-style: chr9-104796415-C-T. GRCh37 (hg19) VCF-style: chr9-107558696-C-T.
Other names: short protein forms V1711I.
Identifiers: ClinVar variation 1049649 (VCV001049649.22), dbSNP rs377600690, ClinGen allele CA5167924.

ClinVar aggregate classification (germline): Conflicting classifications of pathogenicity. Review status: criteria provided, conflicting classifications (1 of 4 stars). 3 submissions from 3 submitters: Uncertain significance (1); Benign (1). 1 of the submissions does not count toward it. Last evaluated 2025-08-29.

Allele frequency attached by ClinVar (database versions not stated): gnomAD 0.00001 and 0.00003; TOPMed 0.00002; gnomAD exomes 0.00011 and 0.00020; 1000 Genomes Project 0.00020; ExAC 0.00024; 1000 Genomes Project 30x 0.00031.

Submissions (3):

Labcorp Genetics (formerly Invitae), Labcorp
Classification: Benign. Last evaluated: 2025-08-29. Review status: criteria provided, single submitter. Criteria: Invitae Variant Classification Sherloc (09022015). Collection method: clinical testing. Allele origin: germline.

CeGaT Center for Human Genetics Tuebingen
Classification: Uncertain significance. Last evaluated: 2024-04-01. Review status: criteria provided, single submitter. Criteria: CeGaT Center For Human Genetics Tuebingen Variant Classification Criteria Version 2. Collection method: clinical testing. Allele origin: germline. Affected: yes. Observed: 1 variant allele.

Department of Pathology and Laboratory Medicine, Sinai Health System
Classification: Uncertain significance. Review status: no assertion criteria provided. Collection method: clinical testing. Allele origin: unknown. Affected: yes. Study: The Canadian Open Genetics Repository (COGR). Not counted in ClinVar's aggregate classification.
Comment: The ABCA1 p.V1711I variant was identified in one heterozygous individual with suspected Mendelian stroke (Fang_2020_PMID: 32341005). The variant was identified in dbSNP (ID: rs377600690), but was not in ClinVar. The variant was identified in control databases in 52 of 280614 chromosomes (2 homozygous) at a frequency of 0.0001853, and was observed at the highest frequency in the South Asian population in 49 Â¬â€ of 30468 chromosomes (2 homozygous) (freq: 0.001608) (Genome Aggregation Database March 6, 2019, v2.1.1). The p.V1711 residue is conserved in mammals and computational analyses (MUT Assesor, PolyPhen-2, SIFT, MutationTaster, Revel, FATHMM, MetaLR, DANN) provide inconsistent predictions regarding the impact to the protein; this information is not very predictive of pathogenicity. The variant occurs outside of the splicing consensus sequence and in silico or computational prediction software programs (Splice AI exome) do not predict a deleterious effect on splicing. In summary, based on the above information the clinical significance of this variant cannot be determined with certainty at this time. This variant is classified as a variant of uncertain significance.